The following is an entry in ClinVar:

ClinVar aggregate classification (germline): Likely benign (1 of 4 stars; one submission).

Submission:

CeGaT Center for Human Genetics Tuebingen
Classification: Likely benign. Last evaluated: 2026-01-01. Review status: criteria provided, single submitter. Criteria: CeGaT Center For Human Genetics Tuebingen Variant Classification Criteria Version 2. Collection method: clinical testing. Allele origin: germline. Affected: yes. Observed: 1 variant allele.
Comment: SURF2: BP4, BP7

NM_017503.5(SURF2):c.168C>G (p.Val56=)

Gene: SURF2 (surfeit 2; plus strand). Cytogenetic location: 9q34.2.
Variant type: single nucleotide variant.
Coding change: c.168C>G on transcript NM_017503.5 (MANE Select); coding-DNA position 168, C replaced by G.
Protein change: p.Val56=; no amino-acid change (valine 56 retained).
Molecular consequence: synonymous variant.
Genome position (GRCh38, 1-based): chr9:133,357,003, C>G. VCF-style: chr9-133357003-C-G. GRCh37 (hg19) VCF-style: chr9-136223879-C-G.
Other names: c.168C>G, p.Val56= (NM_001278928.2).
Identifiers: ClinVar variation 4823171 (VCV004823171.2).
Genomic context (GRCh38, chr9:133,357,003, plus strand): 5'-GCCCTGCCGCCTGCCGGAGCTCCAGGTCTACACCCGCGGCAAAAAGTACCAGCGGCTGGT[C>G]CGCGCCTCCCCGGCCTTCGACTATGCAGAGTTCGAGCCGCACATCGTGCCCAGCACCAAG-3'
Protein context (NP_059973.4, residues 46-66): YTRGKKYQRL[Val56=]RASPAFDYAE